The following is an entry in ClinVar:

NM_001371727.1(GABRB2):c.1206G>C (p.Glu402Asp)

Gene: GABRB2 (gamma-aminobutyric acid type A receptor subunit beta2; minus strand). Cytogenetic location: 5q34.
Variant type: single nucleotide variant.
Coding change: c.1206G>C on transcript NM_001371727.1 (MANE Select); coding-DNA position 1206, G replaced by C.
Protein change: p.Glu402Asp; replaces glutamic acid 402 with aspartic acid.
Molecular consequence: missense variant.
Genome position (GRCh38, 1-based): chr5:161,294,414, C>G on the plus strand (G>C on the coding strand, the complement: GABRB2 is on the minus strand). VCF-style: chr5-161294414-C-G. GRCh37 (hg19) VCF-style: chr5-160721421-C-G.
Other names: c.1092G>C, p.Glu364Asp (NM_000813.3); c.1206G>C, p.Glu402Asp (NM_021911.3); short protein forms E364D, E402D.
Identifiers: ClinVar variation 3383650 (VCV003383650.1).

ClinVar aggregate classification (germline): Uncertain significance (1 of 4 stars; one submission).

Submission:

GeneDx
Classification: Uncertain significance. Last evaluated: 2024-05-29. Review status: criteria provided, single submitter. Criteria: GeneDx Variant Classification Process June 2021. Collection method: clinical testing. Allele origin: germline. Affected: yes.
Comment: Not observed at significant frequency in large population cohorts (gnomAD); In silico analysis indicates that this missense variant does not alter protein structure/function; Has not been previously published as pathogenic or benign to our knowledge